The following is an entry in ClinVar:

ClinVar aggregate classification (germline): Benign/Likely benign. Review status: criteria provided, multiple submitters, no conflicts (2 of 4 stars). 3 submissions from 3 submitters: Benign (1); Likely benign (2). Last evaluated 2026-06-01.

Allele frequency attached by ClinVar (database versions not stated): ExAC 0.00058; 1000 Genomes Project 30x 0.00062; 1000 Genomes Project 0.00080; ESP Exome Variant Server 0.00161; gnomAD 0.00175 and 0.00192; TOPMed 0.00198.

Submissions (3):

CeGaT Center for Human Genetics Tuebingen
Classification: Likely benign. Last evaluated: 2026-06-01. Review status: criteria provided, single submitter. Criteria: CeGaT Center For Human Genetics Tuebingen Variant Classification Criteria Version 2. Collection method: clinical testing. Allele origin: germline. Affected: yes. Observed: 4 variant alleles.
Comment: CSNK2B: BP4, BP7, BS1

Blueprint Genetics
Classification: Likely benign. Last evaluated: 2024-11-04. Review status: criteria provided, single submitter. Criteria: ACMG Guidelines, 2015. Collection method: clinical testing. Allele origin: germline.

Labcorp Genetics (formerly Invitae), Labcorp
Classification: Benign. Last evaluated: 2018-10-17. Review status: criteria provided, single submitter. Criteria: Invitae Variant Classification Sherloc (09022015). Collection method: clinical testing. Allele origin: germline.

NM_001320.7(CSNK2B):c.108T>A (p.Leu36=)

Gene: CSNK2B (casein kinase 2 beta; plus strand). Cytogenetic location: 6p21.33.
Variant type: single nucleotide variant.
Coding change: c.108T>A on transcript NM_001320.7 (MANE Select); coding-DNA position 108, T replaced by A.
Protein change: p.Leu36=; no amino-acid change (leucine 36 retained).
Molecular consequence: synonymous variant.
Genome position (GRCh38, 1-based): chr6:31,667,903, T>A. VCF-style: chr6-31667903-T-A. GRCh37 (hg19) VCF-style: chr6-31635680-T-A.
Other names: c.108T>A, p.Leu36= (NM_001282385.2).
Identifiers: ClinVar variation 712616 (VCV000712616.6), dbSNP rs139131793, ClinGen allele CA3718574.
Genomic context (GRCh38, chr6:31,667,903, plus strand): 5'-CCTCTTGGCTTCCATGTCCTGACAGGTGGATGAAGACTACATCCAGGACAAATTTAATCT[T>A]ACTGGACTCAATGAGCAGGTCCCTCACTATCGACAAGCTCTAGACATGATCTTGGACCTG-3'
Protein context (NP_001311.3, residues 26-46): DEDYIQDKFN[Leu36=]TGLNEQVPHY